The following is an entry in ClinVar:

NM_018979.4(WNK1):c.2020A>G (p.Thr674Ala)

Gene: WNK1 (WNK lysine deficient protein kinase 1; plus strand). Cytogenetic location: 12p13.33.
Variant type: single nucleotide variant.
Coding change: c.2020A>G on transcript NM_018979.4 (MANE Select); coding-DNA position 2020, A replaced by G.
Protein change: p.Thr674Ala; replaces threonine 674 with alanine.
Molecular consequence: missense variant.
Genome position (GRCh38, 1-based): chr12:862,151, A>G. VCF-style: chr12-862151-A-G. GRCh37 (hg19) VCF-style: chr12-971317-A-G.
Other names: c.2020A>G, p.Thr674Ala (NM_001184985.2, NM_014823.3, NM_213655.5); short protein forms T674A.
Identifiers: ClinVar variation 310742 (VCV000310742.23), dbSNP rs11833299, ClinGen allele CA6382091.

ClinVar aggregate classification (germline): Benign/Likely benign. Review status: criteria provided, multiple submitters, no conflicts (2 of 4 stars). 8 submissions from 8 submitters: Benign (4); Likely benign (4). Last evaluated 2026-02-02.

Conditions:
Neuropathy, hereditary sensory and autonomic, type 2A (HSAN2A). Also called: ACROOSTEOLYSIS, GIACCAI TYPE; ACROOSTEOLYSIS, NEUROGENIC; MORVAN DISEASE; NEUROPATHY, CONGENITAL SENSORY; NEUROPATHY, HEREDITARY SENSORY RADICULAR, AUTOSOMAL RECESSIVE; NEUROPATHY, HEREDITARY SENSORY, TYPE IIA. Identifiers: Orphanet 970, MedGen C2752089, MONDO:0024309, OMIM 201300.
Pseudohypoaldosteronism type 2C (PHA2C). Also called: Pseudohypoaldosteronism Type IIC. Identifiers: Orphanet 757, Orphanet 88940, MedGen C1840391, MONDO:0013778, OMIM 614492.

Allele frequency attached by ClinVar (database versions not stated): gnomAD exomes 0.00232 and 0.00094; ExAC 0.00257; gnomAD 0.00751 and 0.00803; ESP Exome Variant Server 0.00815; TOPMed 0.00830; 1000 Genomes Project 0.00839; 1000 Genomes Project 30x 0.00843.
gnomAD v4.1: 2,627 of 1,614,104 alleles (0.16%); highest among the groups gnomAD compares: African/African-American, 2.5%; 28 homozygotes.

Submissions (8):

Labcorp Genetics (formerly Invitae), Labcorp
Classification: Benign for Neuropathy, hereditary sensory and autonomic, type 2A; Pseudohypoaldosteronism type 2C. Last evaluated: 2026-02-02. Review status: criteria provided, single submitter. Criteria: Invitae Variant Classification Sherloc (09022015). Collection method: clinical testing. Allele origin: germline.

Genomic Medicine Center of Excellence, King Faisal Specialist Hospital and Research Centre
Classification: Likely benign. Last evaluated: 2025-08-18. Review status: criteria provided, single submitter. Criteria: ACMG Guidelines, 2015. Collection method: clinical testing. Allele origin: germline.

Mayo Clinic Laboratories, Mayo Clinic
Classification: Benign. Last evaluated: 2023-11-30. Review status: criteria provided, single submitter. Criteria: ACMG Guidelines, 2015. Collection method: clinical testing. Allele origin: germline. Observed: 8 variant alleles.
Comment: BS1, BS2, BP4

Fulgent Genetics
Classification: Likely benign for Neuropathy, hereditary sensory and autonomic, type 2A; Pseudohypoaldosteronism type 2C. Last evaluated: 2021-12-06. Review status: criteria provided, single submitter. Criteria: ACMG Guidelines, 2015. Collection method: clinical testing. Allele origin: unknown.

Athena Diagnostics
Classification: Benign. Last evaluated: 2021-03-03. Review status: criteria provided, single submitter. Criteria: Athena Diagnostics criteria. Collection method: clinical testing. Allele origin: unknown.

GeneDx
Classification: Likely benign. Last evaluated: 2018-06-28. Review status: criteria provided, single submitter. Criteria: GeneDx Variant Classification Process June 2021. Collection method: clinical testing. Allele origin: germline. Affected: yes.

Illumina Laboratory Services, Illumina
Classification: Benign for Pseudohypoaldosteronism type 2C. Last evaluated: 2018-01-13. Review status: criteria provided, single submitter. Criteria: ICSL Variant Classification Criteria 13 December 2019. Collection method: clinical testing. Allele origin: germline.
Comment: This variant was observed in the ICSL laboratory as part of a predisposition screen in an ostensibly healthy population. It had not been previously curated by ICSL or reported in the Human Gene Mutation Database (HGMD: prior to June 1st, 2018), and was therefore a candidate for classification through an automated scoring system. Utilizing variant allele frequency, disease prevalence and penetrance estimates, and inheritance mode, an automated score was calculated to assess if this variant is too frequent to cause the disease. Based on the score and internal cut-off values, a variant classified as benign is not then subjected to further curation. The score for this variant resulted in a classification of benign for this disease.

Breakthrough Genomics
Classification: Likely benign. Review status: criteria provided, single submitter. Criteria: ACMG Guidelines, 2015. Collection method: not provided. Allele origin: germline. Inheritance: Autosomal recessive inheritance. Affected: yes.